The following is an entry in ClinVar:

ClinVar aggregate classification (germline): Uncertain significance (0 of 4 stars; one submission).

Conditions:
PAX2-Related Disorder. Also called: PAX2-related disorders. Identifiers: MedGen CN381309.

gnomAD v4.1: 3 of 1,613,754 alleles (0.00019%); highest among the groups gnomAD compares: African/African-American, 0.0027%; no homozygotes.

Submission:

PreventionGenetics, part of Exact Sciences
Classification: Uncertain significance for PAX2-related condition. Last evaluated: 2024-04-06. Review status: no assertion criteria provided. Collection method: clinical testing. Allele origin: germline.
Comment: The PAX2 c.1265C>A variant is predicted to result in the amino acid substitution p.Ala422Asp. To our knowledge, this variant has not been reported in the literature. This variant is reported in 0.0065% of alleles in individuals of African descent in gnomAD. Of note, this variant is also known as a post-coding variant on the primarily-used transcript in the literature NM_003987.4 as c.*30C>A; and on this transcript, another post-coding variant of uncertain significance, defined as c.*20A>T, was reported in an individual with nephrotic syndrome (Table S10 of El Naofal et al. 2023. PubMed ID: 36703223). At this time, the clinical significance of the c.1265C>A (p.Ala422Asp) variant on the transcript NM_003990 is uncertain due to the absence of conclusive functional and genetic evidence.

NM_000278.5(PAX2):c.*30C>A

Gene: PAX2 (paired box 2; plus strand). Cytogenetic location: 10q24.31.
Variant type: single nucleotide variant.
Coding change: c.*30C>A on transcript NM_000278.5 (MANE Select); 30 bases downstream of the stop codon, C replaced by A.
Molecular consequence: 3 prime UTR variant. On other transcripts: missense variant (2).
Genome position (GRCh38, 1-based): chr10:100,827,649, C>A. VCF-style: chr10-100827649-C-A. GRCh37 (hg19) VCF-style: chr10-102587406-C-A.
Other names: c.*30C>A (NM_001304569.2, NM_003987.5); c.*107C>A (NM_003988.5); c.1196C>A, p.Ala399Asp (NM_003989.5); c.1265C>A, p.Ala422Asp (NM_003990.5); short protein forms A399D, A422D.
Identifiers: ClinVar variation 3346048 (VCV003346048.1).